The following is an entry in ClinVar:

ClinVar aggregate classification (germline): Conflicting classifications of pathogenicity. Review status: criteria provided, conflicting classifications (1 of 4 stars). 2 submissions from 2 submitters: Uncertain significance (1); Likely benign (1). Last evaluated 2026-01-25.

Allele frequency attached by ClinVar (database versions not stated): ExAC 0.00006; TOPMed 0.00006; ESP Exome Variant Server 0.00009; gnomAD exomes 0.00017.
gnomAD v4.1: 256 of 1,596,960 alleles (0.016%); highest among the groups gnomAD compares: Non-Finnish European, 0.021%; no homozygotes.

Submissions (2):

Labcorp Genetics (formerly Invitae), Labcorp
Classification: Uncertain significance. Last evaluated: 2026-01-25. Review status: criteria provided, single submitter. Criteria: Invitae Variant Classification Sherloc (09022015). Collection method: clinical testing. Allele origin: germline.
Comment: This sequence change replaces histidine, which is basic and polar, with arginine, which is basic and polar, at codon 617 of the TOP2B protein (p.His617Arg). This variant is present in population databases (rs376162589, gnomAD 0.01%). This variant has not been reported in the literature in individuals affected with TOP2B-related conditions. ClinVar contains an entry for this variant (Variation ID: 1430871). An algorithm developed to predict the effect of missense changes on protein structure and function (PolyPhen-2) suggests that this variant is likely to be tolerated. In summary, the available evidence is currently insufficient to determine the role of this variant in disease. Therefore, it has been classified as a Variant of Uncertain Significance.

CeGaT Center for Human Genetics Tuebingen
Classification: Likely benign. Last evaluated: 2024-10-01. Review status: criteria provided, single submitter. Criteria: CeGaT Center For Human Genetics Tuebingen Variant Classification Criteria Version 2. Collection method: clinical testing. Allele origin: germline. Affected: yes. Observed: 2 variant alleles.
Comment: TOP2B: BS1

NM_001330700.2(TOP2B):c.1865A>G (p.His622Arg)

Gene: TOP2B (DNA topoisomerase II beta; minus strand). Cytogenetic location: 3p24.2.
Variant type: single nucleotide variant.
Coding change: c.1865A>G on transcript NM_001330700.2 (MANE Select); coding-DNA position 1865, A replaced by G.
Protein change: p.His622Arg; replaces histidine 622 with arginine.
Molecular consequence: missense variant.
Genome position (GRCh38, 1-based): chr3:25,628,888, T>C on the plus strand (A>G on the coding strand, the complement: TOP2B is on the minus strand). VCF-style: chr3-25628888-T-C. GRCh37 (hg19) VCF-style: chr3-25670379-T-C.
Other names: c.1850A>G, p.His617Arg (NM_001068.3); short protein forms H617R, H622R.
Identifiers: ClinVar variation 1430871 (VCV001430871.22), dbSNP rs376162589, ClinGen allele CA2288611.